The following is an entry in ClinVar:

ClinVar aggregate classification (germline): Benign. Review status: criteria provided, single submitter (1 of 4 stars). 2 submissions from 1 submitter: Benign (2). Last evaluated 2018-01-12.

Conditions:
Adult-onset proximal spinal muscular atrophy, autosomal dominant. Also called: FINKEL LATE-ADULT TYPE SMA; Spinal muscular atrophy, late-onset, finkel type. Identifiers: Orphanet 209335, MedGen C1854058, MONDO:0008453, OMIM 182980.
Amyotrophic lateral sclerosis type 8 (ALS8). Identifiers: Orphanet 803, MedGen C1837728, MONDO:0012077, OMIM 608627.

Allele frequency attached by ClinVar (database versions not stated): gnomAD 0.00014 and 0.00023; gnomAD exomes 0.00025 and 0.00050; TOPMed 0.00027; ExAC 0.00041; 1000 Genomes Project 30x 0.00109; 1000 Genomes Project 0.00140.

Submissions (2):

Illumina Laboratory Services, Illumina
Classification: Benign for Adult-onset proximal spinal muscular atrophy, autosomal dominant. Last evaluated: 2018-01-12. Review status: criteria provided, single submitter. Criteria: ICSL Variant Classification Criteria 13 December 2019. Collection method: clinical testing. Allele origin: germline.
Comment: This variant was observed in the ICSL laboratory as part of a predisposition screen in an ostensibly healthy population. It had not been previously curated by ICSL or reported in the Human Gene Mutation Database (HGMD: prior to June 1st, 2018), and was therefore a candidate for classification through an automated scoring system. Utilizing variant allele frequency, disease prevalence and penetrance estimates, and inheritance mode, an automated score was calculated to assess if this variant is too frequent to cause the disease. Based on the score and internal cut-off values, a variant classified as benign is not then subjected to further curation. The score for this variant resulted in a classification of benign for this disease.

Illumina Laboratory Services, Illumina
Classification: Benign for Amyotrophic lateral sclerosis type 8. Last evaluated: 2018-01-12. Review status: criteria provided, single submitter. Criteria: ICSL Variant Classification Criteria 13 December 2019. Collection method: clinical testing. Allele origin: germline.
Comment: the same text as in the submission from Illumina Laboratory Services, Illumina above.

NM_004738.5(VAPB):c.*1335C>T

Gene: VAPB (VAMP associated protein B and C; plus strand). Cytogenetic location: 20q13.32.
Variant type: single nucleotide variant.
Coding change: c.*1335C>T on transcript NM_004738.5 (MANE Select); 1335 bases downstream of the stop codon, C replaced by T.
Molecular consequence: 3 prime UTR variant. On other transcripts: non-coding transcript variant (1).
Genome position (GRCh38, 1-based): chr20:58,445,570, C>T. VCF-style: chr20-58445570-C-T. GRCh37 (hg19) VCF-style: chr20-57020626-C-T.
Other names: c.*1405C>T (NM_001195677.2).
Identifiers: ClinVar variation 338948 (VCV000338948.6), dbSNP rs187441988, ClinGen allele CA9924434.